The following is an entry in ClinVar:

ClinVar aggregate classification (germline): Likely benign. Review status: criteria provided, multiple submitters, no conflicts (2 of 4 stars). 3 submissions from 3 submitters: Likely benign (2). 1 of the submissions does not count toward it. Last evaluated 2024-02-15.

Conditions:
ARID1B-Related Disorder. Identifiers: MedGen CN381337.

Allele frequency attached by ClinVar (database versions not stated): ExAC 0.00002; gnomAD exomes 0.00002; TOPMed 0.00003; gnomAD 0.00005.
gnomAD v4.1: 43 of 1,613,836 alleles (0.0027%); highest among the groups gnomAD compares: African/African-American, 0.004%; no homozygotes.

Submissions (3):

Labcorp Genetics (formerly Invitae), Labcorp
Classification: Likely benign. Last evaluated: 2024-02-15. Review status: criteria provided, single submitter. Criteria: Invitae Variant Classification Sherloc (09022015). Collection method: clinical testing. Allele origin: germline.

Blueprint Genetics
Classification: Likely benign. Last evaluated: 2023-07-03. Review status: criteria provided, single submitter. Criteria: ACMG Guidelines, 2015. Collection method: clinical testing. Allele origin: germline.

PreventionGenetics, part of Exact Sciences
Classification: Likely benign for ARID1B-related condition. Last evaluated: 2019-08-05. Review status: no assertion criteria provided. Collection method: clinical testing. Allele origin: germline. Not counted in ClinVar's aggregate classification.
Comment: This variant is classified as likely benign based on ACMG/AMP sequence variant interpretation guidelines (Richards et al. 2015 PMID: 25741868, with internal and published modifications).

NM_001374828.1(ARID1B):c.5832C>T (p.Leu1944=)

Gene: ARID1B (AT-rich interaction domain 1B; plus strand). Cytogenetic location: 6q25.3.
Variant type: single nucleotide variant.
Coding change: c.5832C>T on transcript NM_001374828.1 (MANE Select); coding-DNA position 5832, C replaced by T.
Protein change: p.Leu1944=; no amino-acid change (leucine 1944 retained).
Molecular consequence: synonymous variant.
Genome position (GRCh38, 1-based): chr6:157,206,604, C>T. VCF-style: chr6-157206604-C-T. GRCh37 (hg19) VCF-style: chr6-157527738-C-T.
Other names: c.5583C>T, p.Leu1861= (NM_001346813.1); c.3333C>T, p.Leu1111= (NM_001363725.2); c.5712C>T, p.Leu1904= (NM_001371656.1, NM_001374820.1); c.5673C>T, p.Leu1891= (NM_017519.3); c.5463C>T, p.Leu1821= (NM_020732.3); c.5250C>T, p.Leu1750= (NM_175863.2).
Identifiers: ClinVar variation 3035027 (VCV003035027.5), dbSNP rs760779848, ClinGen allele CA4067907.